The following is an entry in ClinVar:

ClinVar aggregate classification (germline): Uncertain significance (1 of 4 stars; one submission).

Conditions:
Fanconi anemia complementation group E (FANCE). Also called: FANCE-Related Fanconi Anemia. Identifiers: Orphanet 84, MedGen C3160739, MONDO:0010953, OMIM 600901.

Allele frequency attached by ClinVar (database versions not stated): gnomAD exomes below 0.00001; ExAC 0.00002.
gnomAD v4.1: 2 of 1,614,196 alleles (0.00012%); highest among the groups gnomAD compares: Non-Finnish European, 0.00017%; no homozygotes.

Submission:

Labcorp Genetics (formerly Invitae), Labcorp
Classification: Uncertain significance for Fanconi anemia complementation group E. Last evaluated: 2023-09-29. Review status: criteria provided, single submitter. Criteria: Invitae Variant Classification Sherloc (09022015). Collection method: clinical testing. Allele origin: germline.
Comment: In summary, the available evidence is currently insufficient to determine the role of this variant in disease. Therefore, it has been classified as a Variant of Uncertain Significance. Advanced modeling of protein sequence and biophysical properties (such as structural, functional, and spatial information, amino acid conservation, physicochemical variation, residue mobility, and thermodynamic stability) performed at Invitae indicates that this missense variant is not expected to disrupt FANCE protein function. This variant has not been reported in the literature in individuals affected with FANCE-related conditions. This variant is present in population databases (rs762649597, gnomAD 0.002%). This sequence change replaces lysine, which is basic and polar, with asparagine, which is neutral and polar, at codon 468 of the FANCE protein (p.Lys468Asn).

NM_021922.3(FANCE):c.1404G>T (p.Lys468Asn)

Gene: FANCE (FA complementation group E; plus strand). Cytogenetic location: 6p21.31.
Variant type: single nucleotide variant.
Coding change: c.1404G>T on transcript NM_021922.3 (MANE Select); coding-DNA position 1404, G replaced by T.
Protein change: p.Lys468Asn; replaces lysine 468 with asparagine.
Molecular consequence: missense variant. On other transcripts: intron variant (1).
Genome position (GRCh38, 1-based): chr6:35,462,809, G>T. VCF-style: chr6-35462809-G-T. GRCh37 (hg19) VCF-style: chr6-35430586-G-T.
Other names: c.1316+3049G>T (NM_001410876.1); short protein forms K468N.
Identifiers: ClinVar variation 2861338 (VCV002861338.3), dbSNP rs762649597, ClinGen allele CA3771710.